The following is an entry in ClinVar:

ClinVar aggregate classification (germline): Pathogenic. Review status: criteria provided, multiple submitters, no conflicts (2 of 4 stars). 2 submissions from 2 submitters: Pathogenic (2). Last evaluated 2025-01-24.

Conditions:
Chuvash polycythemia. Also called: POLYCYTHEMIA, VHL-DEPENDENT. Identifiers: Orphanet 238557, MedGen C1837915, MONDO:0009892, OMIM 263400.
Von Hippel-Lindau syndrome (VHLS). Also called: Von Hippel-Lindau; von Hippel–Lindau syndrome; VHL syndrome. Identifiers: Orphanet 892, MedGen C0019562, MONDO:0008667, OMIM 193300. Disease mechanism: loss of function.

Submissions (2):

Molecular Pathology, Peter Maccallum Cancer Centre
Classification: Pathogenic for Von Hippel-Lindau syndrome. Last evaluated: 2025-01-24. Review status: criteria provided, single submitter. Criteria: ACMG Guidelines, 2015. Collection method: clinical testing. Allele origin: germline. Inheritance: Autosomal dominant inheritance.

Labcorp Genetics (formerly Invitae), Labcorp
Classification: Pathogenic for Von Hippel-Lindau syndrome; Chuvash polycythemia. Last evaluated: 2020-02-17. Review status: criteria provided, single submitter. Criteria: Invitae Variant Classification Sherloc (09022015). Collection method: clinical testing. Allele origin: germline.
Comment: For these reasons, this variant has been classified as Pathogenic. Loss-of-function variants in VHL are known to be pathogenic (PMID: 8956040, 12202531). This variant has been observed in an individual affected with cerebellar hemangioblastoma (PMID: 17024664). This variant is not present in population databases (ExAC no frequency). This sequence change creates a premature translational stop signal (p.Glu134*) in the VHL gene. It is expected to result in an absent or disrupted protein product.

Literature cited by the submitters: PubMed 8956040 (cited by Labcorp Genetics (formerly Invitae), Labcorp); PubMed 12202531 (cited by Labcorp Genetics (formerly Invitae), Labcorp); PubMed 17024664 (cited by Labcorp Genetics (formerly Invitae), Labcorp).

NM_000551.4(VHL):c.400G>T (p.Glu134Ter)

Genes: VHL (von Hippel-Lindau tumor suppressor; plus strand), LOC107303340 (3p25 von Hippel-Lindau tumor suppressor, E3 ubiquitin protein ligase Alu-mediated recombination region; plus strand). Cytogenetic location: 3p25.3.
Variant type: single nucleotide variant.
Coding change: c.400G>T on transcript NM_000551.4 (MANE Select); coding-DNA position 400, G replaced by T.
Protein change: p.Glu134Ter; replaces glutamic acid 134 with a stop codon.
Molecular consequence: nonsense. On other transcripts: intron variant (2).
Genome position (GRCh38, 1-based): chr3:10,146,573, G>T. VCF-style: chr3-10146573-G-T. GRCh37 (hg19) VCF-style: chr3-10188257-G-T.
Other names: c.400G>T (NM_000551.3); c.*18-3214G>T (NM_001354723.2); c.341-3214G>T (NM_198156.3); short protein forms E134*.
Identifiers: ClinVar variation 1069709 (VCV001069709.10), dbSNP rs2125128363, ClinGen allele CA351753995.